The following is an entry in ClinVar:

ClinVar aggregate classification (germline): Likely pathogenic (1 of 4 stars; one submission).

Conditions:
Methylmalonic aciduria, cblB type (MACB). Also called: Methylmalonic acidemia cblB type; Vitamin B12-responsive methylmalonic acidemia type cblB; METHYLMALONIC ACIDURIA, VITAMIN B12-RESPONSIVE, DUE TO DEFECT IN SYNTHESIS OF ADENOSYLCOBALAMIN, cblB TYPE. Identifiers: Orphanet 28, Orphanet 79311, MedGen C1855102, MONDO:0009614, OMIM 251110.

Submission:

Labcorp Genetics (formerly Invitae), Labcorp
Classification: Likely pathogenic for Methylmalonic aciduria, cblB type. Last evaluated: 2023-01-23. Review status: criteria provided, single submitter. Criteria: Invitae Variant Classification Sherloc (09022015). Collection method: clinical testing. Allele origin: germline.
Comment: Algorithms developed to predict the effect of sequence changes on RNA splicing suggest that this variant may disrupt the consensus splice site. In summary, the currently available evidence indicates that the variant is pathogenic, but additional data are needed to prove that conclusively. Therefore, this variant has been classified as Likely Pathogenic. ClinVar contains an entry for this variant (Variation ID: 1492208). This variant has not been reported in the literature in individuals affected with MMAB-related conditions. This variant is not present in population databases (gnomAD no frequency). This sequence change affects a donor splice site in intron 5 of the MMAB gene. It is expected to disrupt RNA splicing. Variants that disrupt the donor or acceptor splice site typically lead to a loss of protein function (PMID: 16199547), and loss-of-function variants in MMAB are known to be pathogenic (PMID: 15781192, 16410054).

Literature cited by the submitters: PubMed 16199547; PubMed 15781192; PubMed 16410054.

NM_052845.4(MMAB):c.421+1G>A

Gene: MMAB (metabolism of cobalamin associated B; minus strand). Cytogenetic location: 12q24.11.
Variant type: single nucleotide variant.
Coding change: c.421+1G>A on transcript NM_052845.4 (MANE Select); the canonical splice donor site of the intron after coding-DNA position 421, G replaced by A.
Molecular consequence: splice donor variant.
Genome position (GRCh38, 1-based): chr12:109,561,779, C>T on the plus strand (G>A on the coding strand, the complement: MMAB is on the minus strand). VCF-style: chr12-109561779-C-T. GRCh37 (hg19) VCF-style: chr12-109999584-C-T.
Identifiers: ClinVar variation 1492208 (VCV001492208.6), dbSNP rs2136199734, ClinGen allele CA386637621.